The following is an entry in ClinVar:

NM_004385.5(VCAN):c.8052C>G (p.Asp2684Glu)

Genes: VCAN (versican; plus strand), VCAN-AS1 (VCAN antisense RNA 1; minus strand). Cytogenetic location: 5q14.3.
Variant type: single nucleotide variant.
Coding change: c.8052C>G on transcript NM_004385.5 (MANE Select); coding-DNA position 8052, C replaced by G.
Protein change: p.Asp2684Glu; replaces aspartic acid 2684 with glutamic acid.
Molecular consequence: missense variant. On other transcripts: intron variant (2).
Genome position (GRCh38, 1-based): chr5:83,541,055, C>G. VCF-style: chr5-83541055-C-G. GRCh37 (hg19) VCF-style: chr5-82836874-C-G.
Other names: c.5091C>G, p.Asp1697Glu (NM_001164097.2); c.4004-4482C>G (NM_001164098.2); c.1043-4482C>G (NM_001126336.3); short protein forms D2684E, D1697E.
Identifiers: ClinVar variation 969983 (VCV000969983.11), dbSNP rs184452501, ClinGen allele CA3333735.
Genomic context (GRCh38, chr5:83,541,055, plus strand): 5'-TCACATGGGCTTTCACTTCACAACTGGGATCCCTGCTCCTAGCACAGAAACAGAATTAGA[C>G]GTTTTACTTCCCACGGCAACATCCCTGCCAATTCCTCGTAAGTCTGCCACAGTTATTCCA-3'
Protein context (NP_004376.2, residues 2674-2694): IPAPSTETEL[Asp2684Glu]VLLPTATSLP

ClinVar aggregate classification (germline): Uncertain significance. Review status: criteria provided, multiple submitters, no conflicts (2 of 4 stars). 3 submissions from 3 submitters: Uncertain significance (2). 1 of the submissions does not count toward it. Last evaluated 2024-10-23.

Conditions:
Inborn genetic diseases. Identifiers: MedGen C0950123, MeSH D030342.
VCAN-related disorder. Also called: VCAN-related condition.

Allele frequency attached by ClinVar (database versions not stated): TOPMed 0.00004; ESP Exome Variant Server 0.00008.
gnomAD v4.1: 36 of 1,613,900 alleles (0.0022%); highest among the groups gnomAD compares: Non-Finnish European, 0.0026%; no homozygotes.

Submissions (3):

Labcorp Genetics (formerly Invitae), Labcorp
Classification: Uncertain significance. Last evaluated: 2024-10-23. Review status: criteria provided, single submitter. Criteria: Invitae Variant Classification Sherloc (09022015). Collection method: clinical testing. Allele origin: germline.
Comment: This sequence change replaces aspartic acid, which is acidic and polar, with glutamic acid, which is acidic and polar, at codon 2684 of the VCAN protein (p.Asp2684Glu). This variant is present in population databases (rs184452501, gnomAD 0.005%). This variant has not been reported in the literature in individuals affected with VCAN-related conditions. ClinVar contains an entry for this variant (Variation ID: 969983). An algorithm developed to predict the effect of missense changes on protein structure and function outputs the following: PolyPhen-2: "Benign". The glutamic acid amino acid residue is found in multiple mammalian species, which suggests that this missense change does not adversely affect protein function. In summary, the available evidence is currently insufficient to determine the role of this variant in disease. Therefore, it has been classified as a Variant of Uncertain Significance.

Ambry Genetics
Classification: Uncertain significance for Inborn genetic diseases. Last evaluated: 2023-03-17. Review status: criteria provided, single submitter. Criteria: Ambry Variant Classification Scheme 2023. Collection method: clinical testing. Allele origin: germline.

PreventionGenetics, part of Exact Sciences
Classification: Uncertain significance for VCAN-related condition. Last evaluated: 2024-08-30. Review status: no assertion criteria provided. Collection method: clinical testing. Allele origin: germline. Not counted in ClinVar's aggregate classification.
Comment: The VCAN c.8052C>G variant is predicted to result in the amino acid substitution p.Asp2684Glu. To our knowledge, this variant has not been reported in the literature. This variant is reported in 0.0053% of alleles in individuals of European (Non-Finnish) descent in gnomAD. At this time, the clinical significance of this variant is uncertain due to the absence of conclusive functional and genetic evidence.